The following is an entry in ClinVar:

ClinVar aggregate classification (germline): Uncertain significance (1 of 4 stars; one submission).

Submission:

Labcorp Genetics (formerly Invitae), Labcorp
Classification: Uncertain significance. Last evaluated: 2024-12-23. Review status: criteria provided, single submitter. Criteria: Invitae Variant Classification Sherloc (09022015). Collection method: clinical testing. Allele origin: germline.
Comment: This sequence change replaces leucine, which is neutral and non-polar, with valine, which is neutral and non-polar, at codon 1357 of the ITPR1 protein (p.Leu1357Val). This variant is not present in population databases (gnomAD no frequency). This variant has not been reported in the literature in individuals affected with ITPR1-related conditions. Invitae Evidence Modeling of protein sequence and biophysical properties (such as structural, functional, and spatial information, amino acid conservation, physicochemical variation, residue mobility, and thermodynamic stability) has been performed for this missense variant. However, the output from this modeling did not meet the statistical confidence thresholds required to predict the impact of this variant on ITPR1 protein function. In summary, the available evidence is currently insufficient to determine the role of this variant in disease. Therefore, it has been classified as a Variant of Uncertain Significance.

NM_001378452.1(ITPR1):c.4141C>G (p.Leu1381Val)

Gene: ITPR1 (inositol 1,4,5-trisphosphate receptor type 1; plus strand). Cytogenetic location: 3p26.1.
Variant type: single nucleotide variant.
Coding change: c.4141C>G on transcript NM_001378452.1 (MANE Select); coding-DNA position 4141, C replaced by G.
Protein change: p.Leu1381Val; replaces leucine 1381 with valine.
Molecular consequence: missense variant.
Genome position (GRCh38, 1-based): chr3:4,693,601, C>G. VCF-style: chr3-4693601-C-G. GRCh37 (hg19) VCF-style: chr3-4735285-C-G.
Other names: c.4114C>G, p.Leu1372Val (NM_001099952.4); c.4096C>G, p.Leu1366Val (NM_001168272.2); c.4069C>G, p.Leu1357Val (NM_002222.7); short protein forms L1366V, L1381V, L1372V, L1357V.
Identifiers: ClinVar variation 3660914 (VCV003660914.2).
Genomic context (GRCh38, chr3:4,693,601, plus strand): 5'-TTCCAGACTCTGATCCAGATGATGCGGTCAGAACGGGATCGGATGGATGAGAACAGCCCT[C>G]TCATGTACCACATCCACTTGGTCGAGCTCCTGGCTGTGTGCACGGAGGGTAAGAATGTCT-3'
Protein context (NP_001365381.1, residues 1371-1391): ERDRMDENSP[Leu1381Val]MYHIHLVELL